The following is an entry in ClinVar:

ClinVar aggregate classification (germline): Uncertain significance (1 of 4 stars; one submission).

Conditions:
Tuberous sclerosis 2 (TSC2). Identifiers: Orphanet 805, MedGen C1860707, MONDO:0013199, OMIM 613254.

gnomAD v4.1: 1 of 1,613,786 alleles (0.000062%); highest among the groups gnomAD compares: Non-Finnish European, 0.000085%; no homozygotes.

Submission:

Labcorp Genetics (formerly Invitae), Labcorp
Classification: Uncertain significance for Tuberous sclerosis 2. Last evaluated: 2025-11-30. Review status: criteria provided, single submitter. Criteria: Invitae Variant Classification Sherloc (09022015). Collection method: clinical testing. Allele origin: germline.
Comment: This sequence change replaces proline, which is neutral and non-polar, with arginine, which is basic and polar, at codon 543 of the TSC2 protein (p.Pro543Arg). This variant is not present in population databases (gnomAD no frequency). This variant has not been reported in the literature in individuals affected with TSC2-related conditions. Invitae Evidence Modeling of protein sequence and biophysical properties (such as structural, functional, and spatial information, amino acid conservation, physicochemical variation, residue mobility, and thermodynamic stability) indicates that this missense variant is not expected to disrupt TSC2 protein function with a negative predictive value of 95%. In summary, the available evidence is currently insufficient to determine the role of this variant in disease. Therefore, it has been classified as a Variant of Uncertain Significance.

NM_000548.5(TSC2):c.1628C>G (p.Pro543Arg)

Gene: TSC2 (TSC complex subunit 2; plus strand). Cytogenetic location: 16p13.3.
Variant type: single nucleotide variant.
Coding change: c.1628C>G on transcript NM_000548.5 (MANE Select); coding-DNA position 1628, C replaced by G.
Protein change: p.Pro543Arg; replaces proline 543 with arginine.
Molecular consequence: missense variant. On other transcripts: non-coding transcript variant (5).
Genome position (GRCh38, 1-based): chr16:2,065,547, C>G. VCF-style: chr16-2065547-C-G. GRCh37 (hg19) VCF-style: chr16-2115548-C-G.
Other names: c.1616C>G, p.Pro539Arg (NM_001406673.1, NM_001406671.1); c.1481C>G, p.Pro494Arg (NM_001406675.1, NM_001406676.1, NM_001406679.1 and 1 more transcripts); c.1571C>G, p.Pro524Arg (NM_001406677.1); c.1517C>G, p.Pro506Arg (NM_001406678.1, NM_001318827.2, NM_001406670.1); c.1028C>G, p.Pro343Arg (NM_001406680.1, NM_001406682.1, NM_001406683.1 and 6 more transcripts); c.1166C>G, p.Pro389Arg (NM_001406681.1); c.1628C>G, p.Pro543Arg (NM_001077183.3, NM_001114382.3, NM_001363528.2 and 6 more transcripts); c.1661C>G, p.Pro554Arg (NM_001318832.2); and 3 more; short protein forms P343R, P389R, P494R, P506R, P524R, P539R, P543R, P554R.
Identifiers: ClinVar variation 4802853 (VCV004802853.1).
Genomic context (GRCh38, chr16:2,065,547, plus strand): 5'-CCTGTGTGTAAGTCCTGGCCTTCTCTTCAAAGGTGATGGCCCGCTCCCTCTCCCCACCCC[C>G]GGAGCTGGAAGAAAGGGATGTGGCCGCATACTCGGCCTCCTTGGAGGATGTGAAGACAGC-3'
Protein context (NP_000539.2, residues 533-553): KVMARSLSPP[Pro543Arg]ELEERDVAAY